The following is an entry in ClinVar:

NM_020070.4(IGLL1):c.608T>C (p.Val203Ala)

Gene: IGLL1 (immunoglobulin lambda like polypeptide 1; minus strand). Cytogenetic location: 22q11.23.
Variant type: single nucleotide variant.
Coding change: c.608T>C on transcript NM_020070.4 (MANE Select); coding-DNA position 608, T replaced by C.
Protein change: p.Val203Ala; replaces valine 203 with alanine.
Molecular consequence: missense variant. On other transcripts: 3 prime UTR variant (1).
Genome position (GRCh38, 1-based): chr22:23,573,300, A>G on the plus strand (T>C on the coding strand, the complement: IGLL1 is on the minus strand). VCF-style: chr22-23573300-A-G. GRCh37 (hg19) VCF-style: chr22-23915487-A-G.
Other names: c.611T>C, p.Val204Ala (NM_001369906.1); c.*237T>C (NM_152855.3); short protein forms V204A, V203A.
Identifiers: ClinVar variation 1393015 (VCV001393015.6), dbSNP rs941686597, ClinGen allele CA322555777.
Genomic context (GRCh38, chr22:23,573,300, plus strand): 5'-CTTTGGGTGGGGTCGGGGCTGGGAACCTATGAACATTCTGCAGGGGCCACCGTCTTCTCC[A>G]CGGTGCTCCCTTCGTGCATGACCTGGCAGCTGTAGCTTCTGCGGGACCTCCACTGCTCGG-3'
Protein context (NP_064455.1, residues 193-213): SCQVMHEGST[Val203Ala]EKTVAPAECS

ClinVar aggregate classification (germline): Uncertain significance (1 of 4 stars; one submission).

Conditions:
Agammaglobulinemia 2, autosomal recessive (AGM2). Also called: AGAMMAGLOBULINEMIA, AUTOSOMAL RECESSIVE, DUE TO IGLL1 DEFECT. Identifiers: MedGen C3150750, MONDO:0013287, OMIM 613500.

Allele frequency attached by ClinVar (database versions not stated): TOPMed 0.00013.

Submission:

Labcorp Genetics (formerly Invitae), Labcorp
Classification: Uncertain significance for Agammaglobulinemia 2, autosomal recessive. Last evaluated: 2025-06-04. Review status: criteria provided, single submitter. Criteria: Invitae Variant Classification Sherloc (09022015). Collection method: clinical testing. Allele origin: germline.
Comment: This sequence change replaces valine, which is neutral and non-polar, with alanine, which is neutral and non-polar, at codon 203 of the IGLL1 protein (p.Val203Ala). This variant is not present in population databases (gnomAD no frequency). This variant has not been reported in the literature in individuals affected with IGLL1-related conditions. ClinVar contains an entry for this variant (Variation ID: 1393015). An algorithm developed to predict the effect of missense changes on protein structure and function (PolyPhen-2) suggests that this variant is likely to be disruptive. In summary, the available evidence is currently insufficient to determine the role of this variant in disease. Therefore, it has been classified as a Variant of Uncertain Significance.